The following is an entry in ClinVar:

NM_001267550.2(TTN):c.76024G>C (p.Glu25342Gln)

Genes: TTN (titin; minus strand), TTN-AS1 (TTN antisense RNA 1; plus strand). Cytogenetic location: 2q31.2.
Variant type: single nucleotide variant.
Coding change: c.76024G>C on transcript NM_001267550.2 (MANE Select); coding-DNA position 76024, G replaced by C.
Protein change: p.Glu25342Gln; replaces glutamic acid 25342 with glutamine.
Molecular consequence: missense variant.
Genome position (GRCh38, 1-based): chr2:178,570,108, C>G on the plus strand (G>C on the coding strand, the complement: TTN is on the minus strand). VCF-style: chr2-178570108-C-G. GRCh37 (hg19) VCF-style: chr2-179434835-C-G.
Other names: c.71101G>C, p.Glu23701Gln (NM_001256850.1); c.48829G>C, p.Glu16277Gln (NM_003319.4); c.68320G>C, p.Glu22774Gln (NM_133378.4); c.49204G>C, p.Glu16402Gln (NM_133432.3); c.49405G>C, p.Glu16469Gln (NM_133437.4); short protein forms E16277Q, E16402Q, E16469Q, E22774Q, E23701Q, E25342Q.
Identifiers: ClinVar variation 2445931 (VCV002445931.1), dbSNP rs762672000, ClinGen allele CA1989964.

ClinVar aggregate classification (germline): Uncertain significance (1 of 4 stars; one submission).

Allele frequency attached by ClinVar (database versions not stated): gnomAD exomes below 0.00001; gnomAD 0.00001; ExAC 0.00002.
gnomAD v4.1: 3 of 1,613,296 alleles (0.00019%); highest among the groups gnomAD compares: Non-Finnish European, 0.00025%; no homozygotes.

Submission:

Women's Health and Genetics/Laboratory Corporation of America, LabCorp
Classification: Uncertain significance. Last evaluated: 2023-02-20. Review status: criteria provided, single submitter. Criteria: LabCorp Variant Classification Summary - May 2015. Collection method: clinical testing. Allele origin: germline.
Comment: Variant summary: TTN c.68320G>C (p.Glu22774Gln) results in a conservative amino acid change located in the A-band region of the encoded protein sequence. Two of four in-silico tools predict a benign effect of the variant on protein function. The variant allele was found at a frequency of 1.2e-05 in 248308 control chromosomes. The available data on variant occurrences in the general population are insufficient to allow any conclusion about variant significance. To our knowledge, no occurrence of c.68320G>C in individuals affected with Dilated Cardiomyopathy and no experimental evidence demonstrating its impact on protein function have been reported. No clinical diagnostic laboratories have submitted clinical-significance assessments for this variant to ClinVar after 2014. Based on the evidence outlined above, the variant was classified as uncertain significance.